The following is an entry in ClinVar:

ClinVar aggregate classification (germline): Uncertain significance (1 of 4 stars; one submission).

Conditions:
Dyskeratosis congenita. Identifiers: Orphanet 1775, MedGen C0265965, MONDO:0015780.

Submission:

Labcorp Genetics (formerly Invitae), Labcorp
Classification: Uncertain significance for Dyskeratosis congenita. Last evaluated: 2025-01-26. Review status: criteria provided, single submitter. Criteria: Invitae Variant Classification Sherloc (09022015). Collection method: clinical testing. Allele origin: germline.
Comment: This sequence change replaces proline, which is neutral and non-polar, with leucine, which is neutral and non-polar, at codon 497 of the CTC1 protein (p.Pro497Leu). This variant is not present in population databases (gnomAD no frequency). This variant has not been reported in the literature in individuals affected with CTC1-related conditions. Invitae Evidence Modeling of protein sequence and biophysical properties (such as structural, functional, and spatial information, amino acid conservation, physicochemical variation, residue mobility, and thermodynamic stability) indicates that this missense variant is expected to disrupt CTC1 protein function with a positive predictive value of 80%. In summary, the available evidence is currently insufficient to determine the role of this variant in disease. Therefore, it has been classified as a Variant of Uncertain Significance.

NM_025099.6(CTC1):c.1490C>T (p.Pro497Leu)

Gene: CTC1 (CST telomere replication complex component 1; minus strand). Cytogenetic location: 17p13.1.
Variant type: single nucleotide variant.
Coding change: c.1490C>T on transcript NM_025099.6 (MANE Select); coding-DNA position 1490, C replaced by T.
Protein change: p.Pro497Leu; replaces proline 497 with leucine.
Molecular consequence: missense variant. On other transcripts: non-coding transcript variant (1).
Genome position (GRCh38, 1-based): chr17:8,234,876, G>A on the plus strand (C>T on the coding strand, the complement: CTC1 is on the minus strand). VCF-style: chr17-8234876-G-A. GRCh37 (hg19) VCF-style: chr17-8138194-G-A.
Other names: c.1490C>T, p.Pro497Leu (NM_001411067.1); short protein forms P497L.
Identifiers: ClinVar variation 3618994 (VCV003618994.2).